The following is an entry in ClinVar:

ClinVar aggregate classification (germline): Uncertain significance (1 of 4 stars; one submission).

Allele frequency attached by ClinVar (database versions not stated): gnomAD exomes below 0.00001; TOPMed below 0.00001; gnomAD 0.00001.
gnomAD v4.1: 3 of 1,603,816 alleles (0.00019%); highest among the groups gnomAD compares: African/African-American, 0.0027%; no homozygotes.

Submission:

Labcorp Genetics (formerly Invitae), Labcorp
Classification: Uncertain significance. Last evaluated: 2024-12-09. Review status: criteria provided, single submitter. Criteria: Invitae Variant Classification Sherloc (09022015). Collection method: clinical testing. Allele origin: germline.
Comment: This sequence change falls in intron 12 of the ERCC2 gene. It does not directly change the encoded amino acid sequence of the ERCC2 protein. It affects a nucleotide within the consensus splice site. This variant is present in population databases (no rsID available, gnomAD 0.004%). This variant has not been reported in the literature in individuals affected with ERCC2-related conditions. ClinVar contains an entry for this variant (Variation ID: 1372694). Variants that disrupt the consensus splice site are a relatively common cause of aberrant splicing (PMID: 17576681, 9536098). Algorithms developed to predict the effect of sequence changes on RNA splicing suggest that this variant is not likely to affect RNA splicing. In summary, the available evidence is currently insufficient to determine the role of this variant in disease. Therefore, it has been classified as a Variant of Uncertain Significance.

Literature cited by the submitters: PubMed 17576681; PubMed 9536098.

NM_000400.4(ERCC2):c.1237+3A>G

Gene: ERCC2 (ERCC excision repair 2, TFIIH core complex helicase subunit; minus strand). Cytogenetic location: 19q13.32.
Variant type: single nucleotide variant.
Coding change: c.1237+3A>G on transcript NM_000400.4 (MANE Select); 3 bases into the intron after coding-DNA position 1237, A replaced by G.
Molecular consequence: intron variant.
Genome position (GRCh38, 1-based): chr19:45,361,521, T>C on the plus strand (A>G on the coding strand, the complement: ERCC2 is on the minus strand). VCF-style: chr19-45361521-T-C. GRCh37 (hg19) VCF-style: chr19-45864779-T-C.
Other names: c.1165+3A>G (NM_001130867.2).
Identifiers: ClinVar variation 1372694 (VCV001372694.6), dbSNP rs1440327008, ClinGen allele CA633345165.
Genomic context (GRCh38, chr19:45,361,521, plus strand): 5'-CCTGCTGGGACCCTGATTCCAGCTGCTAGGAGGCCCAGCAGGGACAGAAAAAGGTGAGCT[T>C]ACCTTTGGCGTAGGTGCTGACAAGGGTGGCAAAGTTAGCAAGGAGGGTGAGCGGGGAGAA-3'